The following is an entry in ClinVar:

NM_006269.2(RP1):c.836C>T (p.Ser279Phe)

Gene: RP1 (RP1 axonemal microtubule associated; plus strand). Cytogenetic location: 8q12.1.
Variant type: single nucleotide variant.
Coding change: c.836C>T on transcript NM_006269.2 (MANE Select); coding-DNA position 836, C replaced by T.
Protein change: p.Ser279Phe; replaces serine 279 with phenylalanine.
Molecular consequence: missense variant. On other transcripts: intron variant (1).
Genome position (GRCh38, 1-based): chr8:54,624,718, C>T. VCF-style: chr8-54624718-C-T. GRCh37 (hg19) VCF-style: chr8-55537278-C-T.
Other names: c.787+2430C>T (NM_001375654.1); short protein forms S279F.
Identifiers: ClinVar variation 866888 (VCV000866888.7), dbSNP rs375744003, ClinGen allele CA4751287.
Genomic context (GRCh38, chr8:54,624,718, plus strand): 5'-AAATCTTTAAAGTAAGCACACATATGTCTTCAAGCTCAAGGTCCCAGATTTATTCTGTTT[C>T]TTCTGAGAAAACACATAATAATGATTGCTACTTAGACTATTCTTTTGTTCCTGAAAAGTA-3'
Protein context (NP_006260.1, residues 269-289): SSSRSQIYSV[Ser279Phe]SEKTHNNDCY

ClinVar aggregate classification (germline): Uncertain significance. Review status: criteria provided, multiple submitters, no conflicts (2 of 4 stars). 2 submissions from 2 submitters: Uncertain significance (2). Last evaluated 2025-05-22.

Allele frequency attached by ClinVar (database versions not stated): gnomAD below 0.00001 and 0.00002; gnomAD exomes below 0.00001 and 0.00001; TOPMed 0.00001; ExAC 0.00002; 1000 Genomes Project 0.00040; 1000 Genomes Project 30x 0.00047.
gnomAD v4.1: 16 of 1,613,896 alleles (0.00099%); highest among the groups gnomAD compares: East Asian, 0.0089%; no homozygotes.

Submissions (2):

Labcorp Genetics (formerly Invitae), Labcorp
Classification: Uncertain significance. Last evaluated: 2025-05-22. Review status: criteria provided, single submitter. Criteria: Invitae Variant Classification Sherloc (09022015). Collection method: clinical testing. Allele origin: germline.
Comment: This sequence change replaces serine, which is neutral and polar, with phenylalanine, which is neutral and non-polar, at codon 279 of the RP1 protein (p.Ser279Phe). This variant is present in population databases (rs375744003, gnomAD 0.01%). This variant has not been reported in the literature in individuals affected with RP1-related conditions. ClinVar contains an entry for this variant (Variation ID: 866888). An algorithm developed to predict the effect of missense changes on protein structure and function (PolyPhen-2) suggests that this variant is likely to be disruptive. In summary, the available evidence is currently insufficient to determine the role of this variant in disease. Therefore, it has been classified as a Variant of Uncertain Significance.

Blueprint Genetics
Classification: Uncertain significance. Last evaluated: 2022-01-05. Review status: criteria provided, single submitter. Criteria: ACMG Guidelines, 2015. Collection method: clinical testing. Allele origin: germline.